The following is an entry in ClinVar:

NM_000202.8(IDS):c.597dup (p.Gln200fs)

Genes: IDS (iduronate 2-sulfatase; minus strand), LOC106050102 (IDS recombination region; plus strand). Cytogenetic location: Xq28.
Variant type: Duplication.
Coding change: c.597dup on transcript NM_000202.8 (MANE Select); coding-DNA position 597, one base duplicated (A; older notation c.597dupA).
Protein change: p.Gln200fs; shifts the reading frame from glutamine 200.
Molecular consequence: frameshift variant. On other transcripts: non-coding transcript variant (1).
Genome position (GRCh38, 1-based): chrX:149,498,218, T duplicated on the plus strand (A on the coding strand, the reverse complement: IDS is on the minus strand); the first of 3 consecutive T bases (chrX:149,498,218-149,498,220); duplicating any one gives the same sequence. VCF-style (leftmost placement, unchanged base first): chrX-149498217-G-GT. GRCh37 (hg19) VCF-style: chrX-148579748-G-GT.
Other names: c.327dup, p.Gln110fs (NM_001166550.4); c.597dup, p.Gln200fs (NM_006123.5); short protein forms Q110fs, Q200fs.
Identifiers: ClinVar variation 3255777 (VCV003255777.2).
Genomic context (GRCh38, chrX:149,498,217, plus strand): 5'-AGAAAGGACTGGCTGACGTTTTCATCTTTTCCAACAACTGTATGGCTTGCTCAGTGCTCT[G>GT]TTTGTCAGGCAAGGTGCCCTCGGGAACATCCAGCACATCCACAGGGCAAAGCAGGTTGGC-3'

ClinVar aggregate classification (germline): Pathogenic (1 of 4 stars; one submission).

Conditions:
Mucopolysaccharidosis, MPS-II (MPS2). Also called: Hunter Syndrome; IDURONATE 2-SULFATASE DEFICIENCY; Mucopolysaccharidosis Type II; Mucopolysaccharidosis type 2; Attenuated MPS (subtype; formerly known as mild MPS II); Severe MPS II. Identifiers: Orphanet 580, Orphanet 79388, MedGen C0026705, MONDO:0010674, OMIM 309900.

Submission:

Laboratory of Diagnosis and Therapy of Lysosomal Disorders, University of Padova
Classification: Pathogenic for Mucopolysaccharidosis, MPS-II. Last evaluated: 2024-06-07. Review status: criteria provided, single submitter. Criteria: ACMG Guidelines, 2015. Collection method: literature only. Allele origin: germline. Affected: yes. Observed: 1 variant allele.
Comment: Null variant (PVS1_VeryStrong), Absent from controls (or at low frequency) in gnomAD database (PM2_Moderate), Patient’s phenotype or family history highly specific for the disease (PP4_Strong)

Classification method: ACMG Guidelines [PMID:25741868] with modifications

Literature cited by the submitters: PubMed 16770800.